The following is an entry in ClinVar:

NM_003384.3(VRK1):c.3dup (p.Pro2fs)

Gene: VRK1 (VRK serine/threonine kinase 1; plus strand). Cytogenetic location: 14q32.2.
Variant type: Duplication.
Coding change: c.3dup on transcript NM_003384.3 (MANE Select); coding-DNA position 3, one base duplicated (G; older notation c.3dupG).
Protein change: p.Pro2fs; shifts the reading frame from proline 2.
Molecular consequence: frameshift variant, initiator codon variant.
Genome position (GRCh38, 1-based): chr14:96,833,474, G duplicated. VCF-style (leftmost placement, unchanged base first): chr14-96833473-T-TG. GRCh37 (hg19) VCF-style: chr14-97299810-T-TG.
Other names: c.3dupG (NM_003384.2); c.3dup, p.Pro2fs (NM_001411051.1, NM_001411053.1); short protein forms P2fs.
Identifiers: ClinVar variation 3576914 (VCV003576914.3).

ClinVar aggregate classification (germline): Pathogenic/Likely pathogenic. Review status: criteria provided, multiple submitters, no conflicts (2 of 4 stars). 3 submissions from 3 submitters: Pathogenic (1); Likely pathogenic (2). Last evaluated 2026-01-16.

Conditions:
Neuronopathy, distal hereditary motor, autosomal recessive 10 (HMNR10). Also called: NEUROPATHY, DISTAL HEREDITARY MOTOR, AUTOSOMAL RECESSIVE 10; VRK1-RELATED MOTOR NEURON DISEASE. Identifiers: MedGen C5882703, MONDO:0957876, OMIM 620542.
Pontocerebellar hypoplasia type 1A (PCH1A). Also called: PONTOCEREBELLAR HYPOPLASIA WITH ANTERIOR HORN CELL DISEASE; PONTOCEREBELLAR HYPOPLASIA WITH INFANTILE SPINAL MUSCULAR ATROPHY. Identifiers: Orphanet 2254, Orphanet 88616, MedGen C1843504, MONDO:0011866, OMIM 607596.

Submissions (3):

Myriad Genetics, Inc.
Classification: Pathogenic for Pontocerebellar hypoplasia type 1A. Last evaluated: 2026-01-16. Review status: criteria provided, single submitter. Criteria: Myriad Autosomal Dominant, Autosomal Recessive and X-Linked Classification Criteria (2023). Collection method: clinical testing. Allele origin: unknown.
Comment: NM_003384.2(VRK1):c.3dupG(P2Afs*30) is a frameshift variant classified as pathogenic in the context of pontocerebellar hypoplasia, VRK1-related. P2Afs*30 has not been observed in cases with relevant disease. Relevant functional assessments of this variant are not available in the literature. P2Afs*30 has not been observed in referenced population frequency databases. In summary, NM_003384.2(VRK1):c.3dupG(P2Afs*30) is a frameshift variant in a gene where loss of function is a known mechanism of disease and is predicted to disrupt protein function. Please note: this variant was assessed in the context of healthy population screening.

Natera, Inc.
Classification: Likely pathogenic for Pontocerebellar hypoplasia, type 1a. Last evaluated: 2025-02-07. Review status: criteria provided, single submitter. Criteria: Natera Variant Classification Schema (03/2026). Collection method: clinical testing. Allele origin: germline.
Comment: The c.3dupG variant in VRK1 is predicted to result in start loss due to disruption of the initiator methionine. This variant is expected to result in nonsense mediated decay, truncation, or a dysfunctional protein product. This variant is rare in the general population with a frequency below the threshold expected for the associated phenotype(s). Given the available evidence, this variant is classified as Likely Pathogenic.

Fulgent Genetics
Classification: Likely pathogenic for Pontocerebellar hypoplasia type 1A; Neuronopathy, distal hereditary motor, autosomal recessive 10. Last evaluated: 2024-04-25. Review status: criteria provided, single submitter. Criteria: ACMG Guidelines, 2015. Collection method: clinical testing. Allele origin: germline.